The following is an entry in ClinVar:

NM_002230.4(JUP):c.1796A>G (p.Asn599Ser)

Gene: JUP (junction plakoglobin; minus strand). Cytogenetic location: 17q21.2.
Variant type: single nucleotide variant.
Coding change: c.1796A>G on transcript NM_002230.4 (MANE Select); coding-DNA position 1796, A replaced by G.
Protein change: p.Asn599Ser; replaces asparagine 599 with serine.
Molecular consequence: missense variant.
Genome position (GRCh38, 1-based): chr17:41,757,762, T>C on the plus strand (A>G on the coding strand, the complement: JUP is on the minus strand). VCF-style: chr17-41757762-T-C. GRCh37 (hg19) VCF-style: chr17-39914014-T-C.
Other names: c.1796A>G, p.Asn599Ser (NM_001352773.2, NM_001352774.2, NM_001352775.2 and 3 more transcripts); short protein forms N599S.
Identifiers: ClinVar variation 1406420 (VCV001406420.6), dbSNP rs1257379135, ClinGen allele CA399492601.

ClinVar aggregate classification (germline): Uncertain significance (1 of 4 stars; one submission).

Conditions:
Naxos disease (NXD). Also called: KERATOSIS PALMOPLANTARIS WITH ARRHYTHMOGENIC CARDIOMYOPATHY; WOOLLY HAIR, PALMOPLANTAR KERATODERMA, AND CARDIAC ABNORMALITIES; CARDIOMYOPATHY, ARRHYTHMOGENIC RIGHT VENTRICULAR, WITH SKIN, HAIR, AND NAIL ABNORMALITIES; MAL DE NAXOS; PALMOPLANTAR KERATODERMA WITH ARRHYTHMOGENIC RIGHT VENTRICULAR CARDIOMYOPATHY AND WOOLLY HAIR. Identifiers: Orphanet 34217, MedGen C1832600, MONDO:0011017, OMIM 601214.
Arrhythmogenic right ventricular dysplasia 12. Also called: ARRHYTHMOGENIC RIGHT VENTRICULAR DYSPLASIA, FAMILIAL, 12. Identifiers: MedGen C1969081, MONDO:0012684, OMIM 611528.

Submission:

Labcorp Genetics (formerly Invitae), Labcorp
Classification: Uncertain significance for Arrhythmogenic right ventricular dysplasia 12; Naxos disease. Last evaluated: 2025-07-28. Review status: criteria provided, single submitter. Criteria: Invitae Variant Classification Sherloc (09022015). Collection method: clinical testing. Allele origin: germline.
Comment: This sequence change replaces asparagine, which is neutral and polar, with serine, which is neutral and polar, at codon 599 of the JUP protein (p.Asn599Ser). This variant is not present in population databases (gnomAD no frequency). This variant has not been reported in the literature in individuals affected with JUP-related conditions. ClinVar contains an entry for this variant (Variation ID: 1406420). An algorithm developed to predict the effect of missense changes on protein structure and function (PolyPhen-2) suggests that this variant is likely to be tolerated. In summary, the available evidence is currently insufficient to determine the role of this variant in disease. Therefore, it has been classified as a Variant of Uncertain Significance.